The following is an entry in ClinVar:

NM_002439.5(MSH3):c.2458T>G (p.Ser820Ala)

Gene: MSH3 (mutS homolog 3; plus strand). Cytogenetic location: 5q14.1.
Variant type: single nucleotide variant.
Coding change: c.2458T>G on transcript NM_002439.5 (MANE Select); coding-DNA position 2458, T replaced by G.
Protein change: p.Ser820Ala; replaces serine 820 with alanine.
Molecular consequence: missense variant.
Genome position (GRCh38, 1-based): chr5:80,787,587, T>G. VCF-style: chr5-80787587-T-G. GRCh37 (hg19) VCF-style: chr5-80083406-T-G.
Other names: short protein forms S820A.
Identifiers: ClinVar variation 3628522 (VCV003628522.2).
Genomic context (GRCh38, chr5:80,787,587, plus strand): 5'-GTTTGCTCACCTTTTTGTTGTTGCTGCTGCTTCCGTAGGAAATTCAGTGAACATTATCAC[T>G]CCTTGTGTAAAGCAGTGCATCACCTAGCAACTGTTGACTGCATTTTCTCCCTGGCCAAGG-3'
Protein context (NP_002430.3, residues 810-830): FLEKFSEHYH[Ser820Ala]LCKAVHHLAT

ClinVar aggregate classification (germline): Uncertain significance (1 of 4 stars; one submission).

Submission:

Labcorp Genetics (formerly Invitae), Labcorp
Classification: Uncertain significance. Last evaluated: 2025-01-30. Review status: criteria provided, single submitter. Criteria: Invitae Variant Classification Sherloc (09022015). Collection method: clinical testing. Allele origin: germline.
Comment: This sequence change replaces serine, which is neutral and polar, with alanine, which is neutral and non-polar, at codon 820 of the MSH3 protein (p.Ser820Ala). This variant is present in population databases (rs369296425, gnomAD 0.007%). This variant has not been reported in the literature in individuals affected with MSH3-related conditions. An algorithm developed to predict the effect of missense changes on protein structure and function (PolyPhen-2) suggests that this variant is likely to be tolerated. In summary, the available evidence is currently insufficient to determine the role of this variant in disease. Therefore, it has been classified as a Variant of Uncertain Significance.